The following is an entry in ClinVar:

ClinVar aggregate classification (germline): Uncertain significance. Review status: criteria provided, multiple submitters, no conflicts (2 of 4 stars). 2 submissions from 2 submitters: Uncertain significance (2). Last evaluated 2025-09-11.

Conditions:
Baller-Gerold syndrome (BGS). Also called: CRANIOSYNOSTOSIS WITH RADIAL DEFECTS. Identifiers: Orphanet 1225, MedGen C0265308, MONDO:0009039, OMIM 218600.
Inborn genetic diseases. Identifiers: MedGen C0950123, MeSH D030342.

Allele frequency attached by ClinVar (database versions not stated): gnomAD exomes below 0.00001.
gnomAD v4.1: 1 of 1,606,122 alleles (0.000062%); no homozygotes.

Submissions (2):

Ambry Genetics
Classification: Uncertain significance for Inborn genetic diseases. Last evaluated: 2025-09-11. Review status: criteria provided, single submitter. Criteria: Ambry Variant Classification Scheme 2023. Collection method: clinical testing. Allele origin: germline.
Comment: The p.E158Q variant (also known as c.472G>C), located in coding exon 5 of the RECQL4 gene, results from a G to C substitution at nucleotide position 472. The glutamic acid at codon 158 is replaced by glutamine, an amino acid with highly similar properties. This amino acid position is conserved. In addition, this alteration is predicted to be tolerated by in silico analysis. Based on the available evidence, the clinical significance of this variant remains unclear.

Labcorp Genetics (formerly Invitae), Labcorp
Classification: Uncertain significance for Baller-Gerold syndrome. Last evaluated: 2023-05-24. Review status: criteria provided, single submitter. Criteria: Invitae Variant Classification Sherloc (09022015). Collection method: clinical testing. Allele origin: germline.
Comment: This sequence change replaces glutamic acid, which is acidic and polar, with glutamine, which is neutral and polar, at codon 158 of the RECQL4 protein (p.Glu158Gln). This variant is present in population databases (no rsID available, gnomAD 0.0009%). In summary, the available evidence is currently insufficient to determine the role of this variant in disease. Therefore, it has been classified as a Variant of Uncertain Significance. Experimental studies and prediction algorithms are not available or were not evaluated, and the functional significance of this variant is currently unknown. ClinVar contains an entry for this variant (Variation ID: 1419181). This variant has not been reported in the literature in individuals affected with RECQL4-related conditions.

NM_004260.4(RECQL4):c.472G>C (p.Glu158Gln)

Gene: RECQL4 (RecQ like helicase 4; minus strand). Cytogenetic location: 8q24.3.
Variant type: single nucleotide variant.
Coding change: c.472G>C on transcript NM_004260.4 (MANE Select); coding-DNA position 472, G replaced by C.
Protein change: p.Glu158Gln; replaces glutamic acid 158 with glutamine.
Molecular consequence: missense variant.
Genome position (GRCh38, 1-based): chr8:144,516,647, C>G on the plus strand (G>C on the coding strand, the complement: RECQL4 is on the minus strand). VCF-style: chr8-144516647-C-G. GRCh37 (hg19) VCF-style: chr8-145742031-C-G.
Other names: c.472G>C (NM_004260.3); short protein forms E158Q.
Identifiers: ClinVar variation 1419181 (VCV001419181.7), dbSNP rs1387642543, ClinGen allele CA372691340.